The following is an entry in ClinVar:

ClinVar aggregate classification (germline): Conflicting classifications of pathogenicity. Review status: criteria provided, conflicting classifications (1 of 4 stars). 3 submissions from 3 submitters: Uncertain significance (2); Likely benign (1). Last evaluated 2025-05-18.

Conditions:
Hereditary cancer-predisposing syndrome. Also called: Tumor predisposition; Hereditary neoplastic syndrome; Neoplastic Syndromes, Hereditary; Hereditary Cancer Syndrome. Identifiers: Orphanet 140162, MedGen C0027672, MeSH D009386, MONDO:0015356.
Familial meningioma. Also called: Meningioma, familial, susceptibility to. Identifiers: Orphanet 263662, MedGen C3551915, MONDO:0011789, OMIM 607174.

Allele frequency attached by ClinVar (database versions not stated): gnomAD exomes 0.00001 and 0.00002; ExAC 0.00002.
gnomAD v4.1: 13 of 1,610,650 alleles (0.00081%); highest among the groups gnomAD compares: South Asian, 0.0022%; no homozygotes.

Submissions (3):

Labcorp Genetics (formerly Invitae), Labcorp
Classification: Uncertain significance for Familial meningioma. Last evaluated: 2025-05-18. Review status: criteria provided, single submitter. Criteria: Invitae Variant Classification Sherloc (09022015). Collection method: clinical testing. Allele origin: germline.
Comment: This sequence change replaces proline, which is neutral and non-polar, with leucine, which is neutral and non-polar, at codon 169 of the SMARCE1 protein (p.Pro169Leu). This variant is present in population databases (rs775997908, gnomAD 0.004%). This missense change has been observed in individual(s) with orofacial cleft( (PMID: 37350193). ClinVar contains an entry for this variant (Variation ID: 857499). Invitae Evidence Modeling of protein sequence and biophysical properties (such as structural, functional, and spatial information, amino acid conservation, physicochemical variation, residue mobility, and thermodynamic stability) has been performed for this missense variant. However, the output from this modeling did not meet the statistical confidence thresholds required to predict the impact of this variant on SMARCE1 protein function. In summary, the available evidence is currently insufficient to determine the role of this variant in disease. Therefore, it has been classified as a Variant of Uncertain Significance.

Baylor Genetics
Classification: Uncertain significance for Familial meningioma. Last evaluated: 2023-09-07. Review status: criteria provided, single submitter. Criteria: ACMG Guidelines, 2015. Collection method: clinical testing. Allele origin: unknown.

Ambry Genetics
Classification: Likely benign for Hereditary cancer-predisposing syndrome. Last evaluated: 2021-01-13. Review status: criteria provided, single submitter. Criteria: Ambry Variant Classification Scheme 2023. Collection method: clinical testing. Allele origin: germline.

Literature cited by the submitters: PubMed 37350193 (cited by Labcorp Genetics (formerly Invitae), Labcorp).

NM_003079.5(SMARCE1):c.506C>T (p.Pro169Leu)

Gene: SMARCE1 (SWI/SNF related BAF chromatin remodeling complex subunit E1; minus strand). Cytogenetic location: 17q21.2.
Variant type: single nucleotide variant.
Coding change: c.506C>T on transcript NM_003079.5 (MANE Select); coding-DNA position 506, C replaced by T.
Protein change: p.Pro169Leu; replaces proline 169 with leucine.
Molecular consequence: missense variant.
Genome position (GRCh38, 1-based): chr17:40,635,966, G>A on the plus strand (C>T on the coding strand, the complement: SMARCE1 is on the minus strand). VCF-style: chr17-40635966-G-A. GRCh37 (hg19) VCF-style: chr17-38792218-G-A.
Other names: short protein forms P169L.
Identifiers: ClinVar variation 857499 (VCV000857499.11), dbSNP rs775997908, ClinGen allele CA8545231.